The following is an entry in ClinVar:

ClinVar aggregate classification (germline): Uncertain significance (1 of 4 stars; one submission).

Conditions:
Familial adenomatous polyposis 1 (FAP1). Also called: POLYPOSIS, ADENOMATOUS INTESTINAL; FAMILIAL ADENOMATOUS POLYPOSIS 1, ATTENUATED. Identifiers: MedGen C2713442, MONDO:0021056, OMIM 175100. Disease mechanism: loss of function.

Submission:

Labcorp Genetics (formerly Invitae), Labcorp
Classification: Uncertain significance for Familial adenomatous polyposis 1. Last evaluated: 2024-11-04. Review status: criteria provided, single submitter. Criteria: Invitae Variant Classification Sherloc (09022015). Collection method: clinical testing. Allele origin: germline.
Comment: This variant occurs in a non-coding region of the APC gene. It does not change the encoded amino acid sequence of the APC protein. This variant is not present in population databases (gnomAD no frequency). This variant has not been reported in the literature in individuals affected with APC-related conditions. Experimental studies and prediction algorithms are not available or were not evaluated, and the functional significance of this variant is currently unknown. In summary, the available evidence is currently insufficient to determine the role of this variant in disease. Therefore, it has been classified as a Variant of Uncertain Significance.

NC_000005.10:g.112707331_112707355dup

Gene: APC (APC regulator of Wnt signaling pathway; plus strand). Cytogenetic location: 5q22.2.
Variant type: Duplication.
Genome position: GRCh38 VCF-style: chr5-112707326-A-AGAGAAGGCCAGTAAGTGCTGCAACT. GRCh37 (hg19) VCF-style: chr5-112043023-A-AGAGAAGGCCAGTAAGTGCTGCAACT.
Identifiers: ClinVar variation 1063913 (VCV001063913.7), dbSNP rs1750548511, ClinGen allele CA1573442159.